The following is an entry in ClinVar:

NM_001457.4(FLNB):c.5343C>T (p.Asp1781=)

Gene: FLNB (filamin B; plus strand). Cytogenetic location: 3p14.3.
Variant type: single nucleotide variant.
Coding change: c.5343C>T on transcript NM_001457.4 (MANE Select); coding-DNA position 5343, C replaced by T.
Protein change: p.Asp1781=; no amino-acid change (aspartic acid 1781 retained).
Molecular consequence: synonymous variant.
Genome position (GRCh38, 1-based): chr3:58,143,531, C>T. VCF-style: chr3-58143531-C-T. GRCh37 (hg19) VCF-style: chr3-58129258-C-T.
Other names: c.5436C>T, p.Asp1812= (NM_001164317.2); c.5310C>T, p.Asp1770= (NM_001164318.2); c.5271C>T, p.Asp1757= (NM_001164319.2); c.5343C>T (NM_001457.3).
Identifiers: ClinVar variation 1895703 (VCV001895703.8), dbSNP rs569956910, ClinGen allele CA2469037.

ClinVar aggregate classification (germline): Benign/Likely benign. Review status: criteria provided, multiple submitters, no conflicts (2 of 4 stars). 3 submissions from 3 submitters: Benign (1); Likely benign (1). 1 of the submissions does not count toward it. Last evaluated 2026-05-29.

Conditions:
FLNB-related disorder. Also called: FLNB-related disorders; FLNB-related condition. Identifiers: MedGen CN381095.

Allele frequency attached by ClinVar (database versions not stated): gnomAD exomes 0.00002; gnomAD 0.00003; TOPMed 0.00003; ExAC 0.00007; 1000 Genomes Project 0.00020; 1000 Genomes Project 30x 0.00031.
gnomAD v4.1: 33 of 1,614,166 alleles (0.002%); highest among the groups gnomAD compares: South Asian, 0.022%; no homozygotes.

Submissions (3):

Women's Health and Genetics/Laboratory Corporation of America, LabCorp
Classification: Likely benign. Last evaluated: 2026-05-29. Review status: criteria provided, single submitter. Criteria: LabCorp Variant Classification Summary - May 2015. Collection method: clinical testing. Allele origin: germline.

Labcorp Genetics (formerly Invitae), Labcorp
Classification: Benign. Last evaluated: 2022-01-28. Review status: criteria provided, single submitter. Criteria: Invitae Variant Classification Sherloc (09022015). Collection method: clinical testing. Allele origin: germline.

PreventionGenetics, part of Exact Sciences
Classification: Likely benign for FLNB-related condition. Last evaluated: 2022-08-06. Review status: no assertion criteria provided. Collection method: clinical testing. Allele origin: germline. Not counted in ClinVar's aggregate classification.
Comment: This variant is classified as likely benign based on ACMG/AMP sequence variant interpretation guidelines (Richards et al. 2015 PMID: 25741868, with internal and published modifications).